The following is an entry in ClinVar:

NM_017635.5(KMT5B):c.609C>A (p.Tyr203Ter)

Gene: KMT5B (lysine methyltransferase 5B; minus strand). Cytogenetic location: 11q13.2.
Variant type: single nucleotide variant.
Coding change: c.609C>A on transcript NM_017635.5 (MANE Select); coding-DNA position 609, C replaced by A.
Protein change: p.Tyr203Ter; replaces tyrosine 203 with a stop codon.
Molecular consequence: nonsense. On other transcripts: 5 prime UTR variant (1), non-coding transcript variant (3).
Genome position (GRCh38, 1-based): chr11:68,173,848, G>T on the plus strand (C>A on the coding strand, the complement: KMT5B is on the minus strand). VCF-style: chr11-68173848-G-T. GRCh37 (hg19) VCF-style: chr11-67941315-G-T.
Other names: c.93C>A, p.Tyr31Ter (NM_001300907.1, NM_001369424.1, NM_001369428.1 and 5 more transcripts); c.-59C>A (NM_001300908.2); c.540C>A, p.Tyr180Ter (NM_001300909.2); c.609C>A, p.Tyr203Ter (NM_001363566.2, NM_001369426.1, NM_001369427.1 and 1 more transcripts); c.396C>A, p.Tyr132Ter (NM_001369425.1); short protein forms Y132*, Y180*, Y203*, Y31*.
Identifiers: ClinVar variation 1065196 (VCV001065196.1), dbSNP rs2153054646, ClinGen allele CA381605613.

ClinVar aggregate classification (germline): Pathogenic (1 of 4 stars; one submission).

Conditions:
Intellectual disability. Also called: Intellectual functioning disability; intellectual disabilities; Intellectual developmental disorder. Identifiers: MedGen C3714756, MeSH D008607, MONDO:0001071, HP:0001249.

Submission:

Cytogénomique, Hospices Civils de Lyon
Classification: Pathogenic for Intellectual disability. Last evaluated: 2021-04-19. Review status: criteria provided, single submitter. Criteria: ACMG Guidelines, 2015. Collection method: clinical testing. Allele origin: de novo. Inheritance: Sporadic. Affected: yes. Observed: 1 variant allele, 1 heterozygote.
Comment: de novo truncating variant absent from gnomAD